The following is an entry in ClinVar:

NM_205834.4(LSR):c.1225G>A (p.Asp409Asn)

Gene: LSR (lipolysis stimulated lipoprotein receptor; plus strand). Cytogenetic location: 19q13.12.
Variant type: single nucleotide variant.
Coding change: c.1225G>A on transcript NM_205834.4 (MANE Select); coding-DNA position 1225, G replaced by A.
Protein change: p.Asp409Asn; replaces aspartic acid 409 with asparagine.
Molecular consequence: missense variant.
Genome position (GRCh38, 1-based): chr19:35,267,189, G>A. VCF-style: chr19-35267189-G-A. GRCh37 (hg19) VCF-style: chr19-35758092-G-A.
Other names: c.1165G>A, p.Asp389Asn (NM_001260489.2); c.901G>A, p.Asp301Asn (NM_001260490.2); c.1018G>A, p.Asp340Asn (NM_001385215.1); c.1168G>A, p.Asp390Asn (NM_015925.7); c.1021G>A, p.Asp341Asn (NM_205835.4); short protein forms D409N, D341N, D301N, D340N, D389N, D390N.
Identifiers: ClinVar variation 2253761 (VCV002253761.5), dbSNP rs781723565, ClinGen allele CA9375039.

ClinVar aggregate classification (germline): Uncertain significance. Review status: criteria provided, multiple submitters, no conflicts (2 of 4 stars). 2 submissions from 2 submitters: Uncertain significance (2). Last evaluated 2025-07-13.

Allele frequency attached by ClinVar (database versions not stated): gnomAD exomes 0.00002; ExAC 0.00003; TOPMed 0.00005; gnomAD 0.00008.
gnomAD v4.1: 43 of 1,523,612 alleles (0.0028%); highest among the groups gnomAD compares: Non-Finnish European, 0.0036%; no homozygotes.

Submissions (2):

Labcorp Genetics (formerly Invitae), Labcorp
Classification: Uncertain significance. Last evaluated: 2025-07-13. Review status: criteria provided, single submitter. Criteria: Invitae Variant Classification Sherloc (09022015). Collection method: clinical testing. Allele origin: germline.
Comment: This sequence change replaces aspartic acid, which is acidic and polar, with asparagine, which is neutral and polar, at codon 457 of the LSR protein (p.Asp457Asn). This variant is present in population databases (rs781723565, gnomAD 0.005%). This variant has not been reported in the literature in individuals affected with LSR-related conditions. ClinVar contains an entry for this variant (Variation ID: 2253761). An algorithm developed to predict the effect of missense changes on protein structure and function (PolyPhen-2) suggests that this variant is likely to be tolerated. In summary, the available evidence is currently insufficient to determine the role of this variant in disease. Therefore, it has been classified as a Variant of Uncertain Significance.

Ambry Genetics
Classification: Uncertain significance. Last evaluated: 2021-10-06. Review status: criteria provided, single submitter. Criteria: Ambry Variant Classification Scheme 2023. Collection method: clinical testing. Allele origin: germline.